The following is an entry in ClinVar:

ClinVar aggregate classification (germline): Likely pathogenic (1 of 4 stars; one submission).

Conditions:
Niemann-Pick disease, type A. Also called: Infantile Neurovisceral ASMD (Niemann-Pick Disease Type A; NPD-A); SPHINGOMYELIN LIPIDOSIS; SPHINGOMYELINASE DEFICIENCY. Identifiers: Orphanet 77292, MedGen C0268242, MONDO:0009756, OMIM 257200. Disease mechanism: loss of function.

Submission:

Foundation for Research in Genetics and Endocrinology, FRIGE's Institute of Human Genetics
Classification: Likely pathogenic for Niemann-Pick disease, type A. Last evaluated: 2023-09-25. Review status: criteria provided, single submitter. Criteria: ACMG Guidelines, 2015. Collection method: clinical testing. Allele origin: germline. Inheritance: Autosomal recessive inheritance. Affected: yes. Observed: 1 compound heterozygote.
Comment: A heterozygous variant in exon 5 of the SMPD1 gene that results in the amino acid substitution of Lysine for Asparagine at codon 494 was detected. The observed variant c.1482T>A (p.Asn494Lys) has not been reported in 1000 genomes database. The in-silico prediction of the variant is disease causing by LRT, PROVEAN, SIFT and Mutation Taster. In summary, the variant meets our criteria to be classified as likely pathogenic.

NM_000543.5(SMPD1):c.1482T>A (p.Asn494Lys)

Gene: SMPD1 (sphingomyelin phosphodiesterase 1; plus strand). Cytogenetic location: 11p15.4.
Variant type: single nucleotide variant.
Coding change: c.1482T>A on transcript NM_000543.5 (MANE Select); coding-DNA position 1482, T replaced by A.
Protein change: p.Asn494Lys; replaces asparagine 494 with lysine.
Molecular consequence: missense variant. On other transcripts: non-coding transcript variant (2).
Genome position (GRCh38, 1-based): chr11:6,394,037, T>A. VCF-style: chr11-6394037-T-A. GRCh37 (hg19) VCF-style: chr11-6415267-T-A.
Other names: p.Asn494Lys; c.1479T>A, p.Asn493Lys (NM_001007593.3); c.1482T>A, p.Asn494Lys (NM_001318087.2); c.561T>A, p.Asn187Lys (NM_001318088.2); c.1350T>A, p.Asn450Lys (NM_001365135.2); short protein forms N187K, N450K, N493K, N494K.
Identifiers: ClinVar variation 2582294 (VCV002582294.2), dbSNP rs2493820717, ClinGen allele CA379375584.